The following is an entry in ClinVar:

ClinVar aggregate classification (germline): Uncertain significance (1 of 4 stars; one submission).

Allele frequency attached by ClinVar (database versions not stated): TOPMed below 0.00001.

Submission:

Labcorp Genetics (formerly Invitae), Labcorp
Classification: Uncertain significance. Last evaluated: 2022-04-19. Review status: criteria provided, single submitter. Criteria: Invitae Variant Classification Sherloc (09022015). Collection method: clinical testing. Allele origin: germline.
Comment: Algorithms developed to predict the effect of sequence changes on RNA splicing suggest that this variant may create or strengthen a splice site. In summary, the available evidence is currently insufficient to determine the role of this variant in disease. Therefore, it has been classified as a Variant of Uncertain Significance. Algorithms developed to predict the effect of missense changes on protein structure and function (SIFT, PolyPhen-2, Align-GVGD) all suggest that this variant is likely to be disruptive. This variant has not been reported in the literature in individuals affected with COQ2-related conditions. This variant is not present in population databases (gnomAD no frequency). This sequence change replaces tryptophan, which is neutral and slightly polar, with arginine, which is basic and polar, at codon 145 of the COQ2 protein (p.Trp145Arg).

NM_001358921.2(COQ2):c.283T>A (p.Trp95Arg)

Gene: COQ2 (coenzyme Q2, polyprenyltransferase; minus strand). Cytogenetic location: 4q21.23.
Variant type: single nucleotide variant.
Coding change: c.283T>A on transcript NM_001358921.2 (MANE Select); coding-DNA position 283, T replaced by A.
Protein change: p.Trp95Arg; replaces tryptophan 95 with arginine.
Molecular consequence: missense variant.
Genome position (GRCh38, 1-based): chr4:83,279,085, A>T on the plus strand (T>A on the coding strand, the complement: COQ2 is on the minus strand). VCF-style: chr4-83279085-A-T. GRCh37 (hg19) VCF-style: chr4-84200238-A-T.
Other names: c.433T>A, p.Trp145Arg (NM_015697.9); short protein forms W95R, W145R.
Identifiers: ClinVar variation 2067716 (VCV002067716.4), dbSNP rs1735251922, ClinGen allele CA357230705.
Genomic context (GRCh38, chr4:83,279,085, plus strand): 5'-AGAGGGAGAGCATGTACCAATCTGGAAAACAACCTGGTTCAGCTGCCAAACCAATGCTCC[A>T]GGTACATGGTAAATACAGAAGCCAGGTTCCTAAGCAAAAATAAAAAGACAAAAAAGGTAC-3'
Protein context (NP_001345850.1, residues 85-105): GTWLLYLPCT[Trp95Arg]SIGLAAEPGC